The following is an entry in ClinVar:

ClinVar aggregate classification (germline): Uncertain significance (1 of 4 stars; one submission).

Conditions:
PYGL-related disorder. Also called: PYGL-related condition.

gnomAD v4.1: 13 of 1,614,008 alleles (0.00081%); highest among the groups gnomAD compares: African/African-American, 0.0013%; no homozygotes.

Submission:

PreventionGenetics, part of Exact Sciences
Classification: Uncertain significance for PYGL-related condition. Last evaluated: 2026-06-07. Review status: criteria provided, single submitter. Criteria: ACMG Guidelines, 2015. Collection method: clinical testing. Allele origin: germline.
Comment: The PYGL c.1233T>A variant is predicted to result in the amino acid substitution p.His411Gln. To our knowledge, this variant has not been reported in the literature or in a large population database (gnomAD), indicating this variant is rare. At this time, the clinical significance of this variant is uncertain due to the absence of conclusive functional and genetic evidence.

NM_002863.5(PYGL):c.1233T>A (p.His411Gln)

Gene: PYGL (glycogen phosphorylase L; minus strand). Cytogenetic location: 14q22.1.
Variant type: single nucleotide variant.
Coding change: c.1233T>A on transcript NM_002863.5 (MANE Select); coding-DNA position 1233, T replaced by A.
Protein change: p.His411Gln; replaces histidine 411 with glutamine.
Molecular consequence: missense variant.
Genome position (GRCh38, 1-based): chr14:50,915,831, A>T on the plus strand (T>A on the coding strand, the complement: PYGL is on the minus strand). VCF-style: chr14-50915831-A-T. GRCh37 (hg19) VCF-style: chr14-51382549-A-T.
Other names: c.1131T>A, p.His377Gln (NM_001163940.2); short protein forms H411Q, H377Q.
Identifiers: ClinVar variation 4993590 (VCV004993590.1).